The following is an entry in ClinVar:

ClinVar aggregate classification (germline): Uncertain significance. Review status: criteria provided, multiple submitters, no conflicts (2 of 4 stars). 2 submissions from 2 submitters: Uncertain significance (2). Last evaluated 2023-12-11.

Conditions:
Primary ciliary dyskinesia. Also called: Ciliary dyskinesia. Identifiers: Orphanet 244, MedGen C0008780, MONDO:0016575, HP:0012265.

Allele frequency attached by ClinVar (database versions not stated): ExAC 0.00002; gnomAD 0.00033 and 0.00035; 1000 Genomes Project 0.00060; 1000 Genomes Project 30x 0.00078; TOPMed 0.00084.
gnomAD v4.1: 97 of 1,577,696 alleles (0.0061%); highest among the groups gnomAD compares: Admixed American, 0.15%; 1 homozygote.

Submissions (2):

Labcorp Genetics (formerly Invitae), Labcorp
Classification: Uncertain significance for Primary ciliary dyskinesia. Last evaluated: 2023-12-11. Review status: criteria provided, single submitter. Criteria: Invitae Variant Classification Sherloc (09022015). Collection method: clinical testing. Allele origin: germline.
Comment: This sequence change replaces aspartic acid, which is acidic and polar, with glutamic acid, which is acidic and polar, at codon 323 of the DNAAF5 protein (p.Asp323Glu). The frequency data for this variant in the population databases is considered unreliable, as metrics indicate poor data quality at this position in the gnomAD database. This variant has not been reported in the literature in individuals affected with DNAAF5-related conditions. ClinVar contains an entry for this variant (Variation ID: 454872). Advanced modeling of protein sequence and biophysical properties (such as structural, functional, and spatial information, amino acid conservation, physicochemical variation, residue mobility, and thermodynamic stability) performed at Invitae indicates that this missense variant is not expected to disrupt DNAAF5 protein function with a negative predictive value of 80%. In summary, the available evidence is currently insufficient to determine the role of this variant in disease. Therefore, it has been classified as a Variant of Uncertain Significance.

Ambry Genetics
Classification: Uncertain significance for Primary ciliary dyskinesia. Last evaluated: 2022-06-24. Review status: criteria provided, single submitter. Criteria: Ambry Variant Classification Scheme 2023. Collection method: clinical testing. Allele origin: germline.

NM_017802.4(DNAAF5):c.969C>A (p.Asp323Glu)

Gene: DNAAF5 (dynein axonemal assembly factor 5; plus strand). Cytogenetic location: 7p22.3.
Variant type: single nucleotide variant.
Coding change: c.969C>A on transcript NM_017802.4 (MANE Select); coding-DNA position 969, C replaced by A.
Protein change: p.Asp323Glu; replaces aspartic acid 323 with glutamic acid.
Molecular consequence: missense variant. On other transcripts: non-coding transcript variant (1).
Genome position (GRCh38, 1-based): chr7:741,410, C>A. VCF-style: chr7-741410-C-A. GRCh37 (hg19) VCF-style: chr7-781047-C-A.
Other names: short protein forms D323E.
Identifiers: ClinVar variation 454872 (VCV000454872.11), dbSNP rs201264312, ClinGen allele CA4110545.